The following is an entry in ClinVar:

NM_017864.4(INTS8):c.2256G>A (p.Met752Ile)

Gene: INTS8 (integrator complex subunit 8; plus strand). Cytogenetic location: 8q22.1.
Variant type: single nucleotide variant.
Coding change: c.2256G>A on transcript NM_017864.4 (MANE Select); coding-DNA position 2256, G replaced by A.
Protein change: p.Met752Ile; replaces methionine 752 with isoleucine.
Molecular consequence: missense variant. On other transcripts: non-coding transcript variant (2).
Genome position (GRCh38, 1-based): chr8:94,865,685, G>A. VCF-style: chr8-94865685-G-A. GRCh37 (hg19) VCF-style: chr8-95877913-G-A.
Other names: short protein forms M752I.
Identifiers: ClinVar variation 4989847 (VCV004989847.1).

ClinVar aggregate classification (germline): Uncertain significance (1 of 4 stars; one submission).

Conditions:
INTS8-related disorder. Also called: INTS8-related condition.

Submission:

PreventionGenetics, part of Exact Sciences
Classification: Uncertain significance for INTS8-related condition. Last evaluated: 2026-04-08. Review status: criteria provided, single submitter. Criteria: ACMG Guidelines, 2015. Collection method: clinical testing. Allele origin: germline.
Comment: The INTS8 c.2256G>A variant is predicted to result in the amino acid substitution p.Met752Ile. To our knowledge, this variant has not been reported in the literature or in a large population database (gnomAD), indicating this variant is rare. At this time, the clinical significance of this variant is uncertain due to the absence of conclusive functional and genetic evidence.